The following is an entry in ClinVar:

NM_007194.4(CHEK2):c.1085del (p.Cys362fs)

Gene: CHEK2 (checkpoint kinase 2; minus strand). Cytogenetic location: 22q12.1.
Variant type: Deletion.
Coding change: c.1085del on transcript NM_007194.4 (MANE Select); coding-DNA position 1085, one base deleted (G; older notation c.1085delG).
Protein change: p.Cys362fs; shifts the reading frame from cysteine 362.
Molecular consequence: frameshift variant. On other transcripts: intron variant (3).
Genome position (GRCh38, 1-based): chr22:28,696,911, C deleted on the plus strand (G on the coding strand, the reverse complement: CHEK2 is on the minus strand). VCF-style (leftmost placement, unchanged base first): chr22-28696910-AC-A. GRCh37 (hg19) VCF-style: chr22-29092898-AC-A.
Other names: c.1214del, p.Cys405fs (NM_001005735.3); c.422del, p.Cys141fs (NM_001257387.3, NM_001437942.1); c.884del, p.Cys295fs (NM_001349956.3); c.1178del, p.Cys393fs (NM_001438293.1); c.1009-1038del (NM_145862.3); c.1102-1038del (NM_001438295.1); c.1138-1038del (NM_001438294.1); short protein forms C295fs, C405fs, C141fs, C362fs, C393fs.
Identifiers: ClinVar variation 2807650 (VCV002807650.4), dbSNP rs2517820433, ClinGen allele CA2739265693.

ClinVar aggregate classification (germline): Pathogenic/Likely pathogenic. Review status: criteria provided, multiple submitters, no conflicts (2 of 4 stars). 2 submissions from 2 submitters: Pathogenic (1); Likely pathogenic (1). Last evaluated 2024-09-29.

Conditions:
Familial cancer of breast. Also called: hereditary breast carcinoma; Hereditary breast cancer; BREAST CANCER, FAMILIAL. Identifiers: Orphanet 227535, MedGen C0346153, MONDO:0016419, OMIM 114480. Disease mechanism: loss of function.

Submissions (2):

Labcorp Genetics (formerly Invitae), Labcorp
Classification: Pathogenic for Familial cancer of breast. Last evaluated: 2024-09-29. Review status: criteria provided, single submitter. Criteria: Invitae Variant Classification Sherloc (09022015). Collection method: clinical testing. Allele origin: germline.
Comment: This sequence change creates a premature translational stop signal (p.Cys362Phefs*3) in the CHEK2 gene. It is expected to result in an absent or disrupted protein product. Loss-of-function variants in CHEK2 are known to be pathogenic (PMID: 21876083, 24713400). This variant is not present in population databases (gnomAD no frequency). This variant has not been reported in the literature in individuals affected with CHEK2-related conditions. Algorithms developed to predict the effect of sequence changes on RNA splicing suggest that this variant may disrupt the consensus splice site. For these reasons, this variant has been classified as Pathogenic.

GeneDx
Classification: Likely pathogenic. Last evaluated: 2023-11-22. Review status: criteria provided, single submitter. Criteria: GeneDx Variant Classification Process June 2021. Collection method: clinical testing. Allele origin: germline. Affected: yes.
Comment: Frameshift variant predicted to result in protein truncation or nonsense mediated decay in a gene for which loss of function is a known mechanism of disease; Not observed at significant frequency in large population cohorts (gnomAD); Has not been previously published as pathogenic or benign to our knowledge

Literature cited by the submitters: PubMed 21876083 (cited by Labcorp Genetics (formerly Invitae), Labcorp); PubMed 24713400 (cited by Labcorp Genetics (formerly Invitae), Labcorp).